The following is an entry in ClinVar:

ClinVar aggregate classification (germline): Benign/Likely benign. Review status: criteria provided, multiple submitters, no conflicts (2 of 4 stars). 2 submissions from 2 submitters: Benign (1); Likely benign (1). Last evaluated 2023-07-25.

Conditions:
Benign neonatal seizures. Also called: Benign neonatal familial convulsions; Benign familial neonatal seizures; Convulsions benign familial neonatal dominant form; Autosomal dominant form of benign neonatal seizures; Benign familial neonatal epilepsy. Identifiers: Orphanet 1949, MedGen C0220669, MONDO:0016027.
Seizures, benign familial neonatal, 2. Also called: Benign Neonatal Epilepsy 2; CONVULSIONS, BENIGN FAMILIAL NEONATAL, 2; KCNQ3-Related Benign Familial Neonatal Epilepsy; KCNQ3-Related Self-Limited Familial Neonatal Epilepsy (SLFNE); Seizures, benign neonatal, 2. Identifiers: Orphanet 1949, MedGen C1852581, MONDO:0007366, OMIM 121201.

Allele frequency attached by ClinVar (database versions not stated): TOPMed 0.00001; ExAC 0.00002; gnomAD exomes 0.00001 and 0.00002.
gnomAD v4.1: 13 of 1,608,424 alleles (0.00081%); highest among the groups gnomAD compares: South Asian, 0.011%; no homozygotes.

Submissions (2):

Labcorp Genetics (formerly Invitae), Labcorp
Classification: Likely benign for Benign neonatal seizures. Last evaluated: 2023-07-25. Review status: criteria provided, single submitter. Criteria: Invitae Variant Classification Sherloc (09022015). Collection method: clinical testing. Allele origin: germline.

Illumina Laboratory Services, Illumina
Classification: Benign for Seizures, benign familial neonatal, 2. Last evaluated: 2018-01-13. Review status: criteria provided, single submitter. Criteria: ICSL Variant Classification Criteria 13 December 2019. Collection method: clinical testing. Allele origin: germline.
Comment: This variant was observed in the ICSL laboratory as part of a predisposition screen in an ostensibly healthy population. It had not been previously curated by ICSL or reported in the Human Gene Mutation Database (HGMD: prior to June 1st, 2018), and was therefore a candidate for classification through an automated scoring system. Utilizing variant allele frequency, disease prevalence and penetrance estimates, and inheritance mode, an automated score was calculated to assess if this variant is too frequent to cause the disease. Based on the score and internal cut-off values, a variant classified as benign is not then subjected to further curation. The score for this variant resulted in a classification of benign for this disease.

NM_004519.4(KCNQ3):c.1707T>C (p.Asp569=)

Gene: KCNQ3 (potassium voltage-gated channel subfamily Q member 3; minus strand). Cytogenetic location: 8q24.22.
Variant type: single nucleotide variant.
Coding change: c.1707T>C on transcript NM_004519.4 (MANE Select); coding-DNA position 1707, T replaced by C.
Protein change: p.Asp569=; no amino-acid change (aspartic acid 569 retained).
Molecular consequence: synonymous variant.
Genome position (GRCh38, 1-based): chr8:132,134,382, A>G on the plus strand (T>C on the coding strand, the complement: KCNQ3 is on the minus strand). VCF-style: chr8-132134382-A-G. GRCh37 (hg19) VCF-style: chr8-133146629-A-G.
Other names: c.1347T>C, p.Asp449= (NM_001204824.2).
Identifiers: ClinVar variation 910597 (VCV000910597.7), dbSNP rs748374858, ClinGen allele CA4880609.